The following is an entry in ClinVar:

ClinVar aggregate classification (germline): Conflicting classifications of pathogenicity. Review status: criteria provided, conflicting classifications (1 of 4 stars). 9 submissions from 9 submitters: Uncertain significance (1); Benign (1); Likely benign (5). 2 of the submissions do not count toward it. Last evaluated 2026-03-31.

Conditions:
VPS13B-related disorder. Also called: VPS13B-related condition.
Inborn genetic diseases. Identifiers: MedGen C0950123, MeSH D030342.
Cohen syndrome (COH1). Also called: PEPPER SYNDROME; Cutis verticis gyrata, retinitis pigmentosa, and sensorineural deafness. Identifiers: Orphanet 193, MedGen C0265223, MONDO:0008999, OMIM 216550.

Allele frequency attached by ClinVar (database versions not stated): gnomAD exomes 0.00023; ExAC 0.00035; gnomAD 0.00090 and 0.00096; TOPMed 0.00116; ESP Exome Variant Server 0.00123; 1000 Genomes Project 0.00140; 1000 Genomes Project 30x 0.00156.
gnomAD v4.1: 258 of 1,614,176 alleles (0.016%); highest among the groups gnomAD compares: African/African-American, 0.31%; no homozygotes.

Submissions (9):

Women's Health and Genetics/Laboratory Corporation of America, LabCorp
Classification: Likely benign. Last evaluated: 2026-03-31. Review status: criteria provided, single submitter. Criteria: LabCorp Variant Classification Summary - May 2015. Collection method: clinical testing. Allele origin: germline.

CeGaT Center for Human Genetics Tuebingen
Classification: Likely benign. Last evaluated: 2026-03-01. Review status: criteria provided, single submitter. Criteria: CeGaT Center For Human Genetics Tuebingen Variant Classification Criteria Version 2. Collection method: clinical testing. Allele origin: germline. Affected: yes. Observed: 2 variant alleles.
Comment: VPS13B: BP4, BP7

Labcorp Genetics (formerly Invitae), Labcorp
Classification: Benign for Cohen syndrome. Last evaluated: 2026-01-01. Review status: criteria provided, single submitter. Criteria: Invitae Variant Classification Sherloc (09022015). Collection method: clinical testing. Allele origin: germline.

Blueprint Genetics
Classification: Likely benign. Last evaluated: 2024-11-12. Review status: criteria provided, single submitter. Criteria: ACMG Guidelines, 2015. Collection method: clinical testing. Allele origin: germline.

Illumina Laboratory Services, Illumina
Classification: Likely benign for Cohen syndrome. Last evaluated: 2018-01-13. Review status: criteria provided, single submitter. Criteria: ICSL Variant Classification Criteria 13 December 2019. Collection method: clinical testing. Allele origin: germline.
Comment: This variant was observed in the ICSL laboratory as part of a predisposition screen in an ostensibly healthy population. It had not been previously curated by ICSL or reported in the Human Gene Mutation Database (HGMD: prior to June 1st, 2018), and was therefore a candidate for classification through an automated scoring system. Utilizing variant allele frequency, disease prevalence and penetrance estimates, and inheritance mode, an automated score was calculated to assess if this variant is too frequent to cause the disease. Based on the score and internal cut-off values, a variant classified as likely benign is not then subjected to further curation. The score for this variant resulted in a classification of likely benign for this disease.

Ambry Genetics
Classification: Likely benign for Inborn genetic diseases. Last evaluated: 2017-09-29. Review status: criteria provided, single submitter. Criteria: Ambry Variant Classification Scheme 2023. Collection method: clinical testing. Allele origin: germline.

Eurofins Ntd Llc (ga)
Classification: Uncertain significance. Last evaluated: 2014-03-18. Review status: criteria provided, single submitter. Criteria: EGL Classification Definitions 2015. Collection method: clinical testing. Allele origin: germline. Observed: 1 variant allele, 1 heterozygote.

PreventionGenetics, part of Exact Sciences
Classification: Likely benign for VPS13B-related condition. Last evaluated: 2023-02-09. Review status: no assertion criteria provided. Collection method: clinical testing. Allele origin: germline. Not counted in ClinVar's aggregate classification.
Comment: This variant is classified as likely benign based on ACMG/AMP sequence variant interpretation guidelines (Richards et al. 2015 PMID: 25741868, with internal and published modifications).

Natera, Inc.
Classification: Likely benign for Cohen syndrome. Last evaluated: 2019-10-24. Review status: no assertion criteria provided. Collection method: clinical testing. Allele origin: germline. Not counted in ClinVar's aggregate classification.

NM_152564.5(VPS13B):c.9903G>A (p.Glu3301=)

Gene: VPS13B (vacuolar protein sorting 13 homolog B; plus strand). Cytogenetic location: 8q22.2.
Variant type: single nucleotide variant.
Coding change: c.9903G>A on transcript NM_152564.5 (MANE Select); coding-DNA position 9903, G replaced by A.
Protein change: p.Glu3301=; no amino-acid change (glutamic acid 3301 retained).
Molecular consequence: synonymous variant.
Genome position (GRCh38, 1-based): chr8:99,835,699, G>A. VCF-style: chr8-99835699-G-A. GRCh37 (hg19) VCF-style: chr8-100847927-G-A.
Other names: c.9978G>A (NM_017890.3); c.9903G>A (NM_152564.4); c.9978G>A, p.Glu3326= (NM_017890.5).
Identifiers: ClinVar variation 167834 (VCV000167834.34), dbSNP rs150573530, ClinGen allele CA235239.
Genomic context (GRCh38, chr8:99,835,699, plus strand): 5'-CAAAGACTTACTTCCAAGCCTACTTTTGAGAGTTGAACCTCTAGATGAAGTAACAACTGA[G>A]TGGAGTGATGCCATTGACATCAACAGTCAGGGAACACAGGTCAGTGAGCCATGTGTTCCT-3'
Protein context (NP_689777.3, residues 3291-3311): RVEPLDEVTT[Glu3301=]WSDAIDINSQ